The following is an entry in ClinVar:

ClinVar aggregate classification (germline): Uncertain significance (1 of 4 stars; one submission).

Allele frequency attached by ClinVar (database versions not stated): gnomAD exomes below 0.00001; TOPMed below 0.00001; gnomAD 0.00001.
gnomAD v4.1: 4 of 1,580,834 alleles (0.00025%); highest among the groups gnomAD compares: African/African-American, 0.0014%; no homozygotes.

Submission:

Labcorp Genetics (formerly Invitae), Labcorp
Classification: Uncertain significance. Last evaluated: 2021-12-02. Review status: criteria provided, single submitter. Criteria: Invitae Variant Classification Sherloc (09022015). Collection method: clinical testing. Allele origin: germline.
Comment: In summary, the available evidence is currently insufficient to determine the role of this variant in disease. Therefore, it has been classified as a Variant of Uncertain Significance. Algorithms developed to predict the effect of missense changes on protein structure and function are either unavailable or do not agree on the potential impact of this missense change (SIFT: "Deleterious"; PolyPhen-2: "Probably Damaging"; Align-GVGD: "Class C15"). This variant has not been reported in the literature in individuals affected with VARS2-related conditions. This variant is not present in population databases (gnomAD no frequency). This sequence change replaces aspartic acid, which is acidic and polar, with asparagine, which is neutral and polar, at codon 431 of the VARS2 protein (p.Asp431Asn).

NM_020442.6(VARS2):c.1201G>A (p.Asp401Asn)

Gene: VARS2 (valyl-tRNA synthetase 2, mitochondrial; plus strand). Cytogenetic location: 6p21.33.
Variant type: single nucleotide variant.
Coding change: c.1201G>A on transcript NM_020442.6 (MANE Select); coding-DNA position 1201, G replaced by A.
Protein change: p.Asp401Asn; replaces aspartic acid 401 with asparagine.
Molecular consequence: missense variant.
Genome position (GRCh38, 1-based): chr6:30,920,124, G>A. VCF-style: chr6-30920124-G-A. GRCh37 (hg19) VCF-style: chr6-30887901-G-A.
Other names: c.781G>A, p.Asp261Asn (NM_001167733.3); c.1291G>A, p.Asp431Asn (NM_001167734.2); short protein forms D261N, D401N, D431N.
Identifiers: ClinVar variation 1509743 (VCV001509743.6), dbSNP rs1343852500, ClinGen allele CA363171160.